The following is an entry in ClinVar:

ClinVar aggregate classification (germline): Uncertain significance (1 of 4 stars; one submission).

Conditions:
Oto-palato-digital syndrome, type II (OPD2). Also called: Otopalatodigital Syndrome Type 2 (FLNA-OPD2); FACIOPALATOOSSEOUS SYNDROME; OPD II SYNDROME; Otopalatodigital Syndrome, Type II. Identifiers: Orphanet 669, Orphanet 90652, MedGen C1844696, MONDO:0010571, OMIM 304120.
Heterotopia, periventricular, X-linked dominant (PVNH1). Also called: PERIVENTRICULAR NODULAR HETEROTOPIA 1; X-linked periventricular heterotopia; PERIVENTRICULAR NODULAR HETEROTOPIA 4; HETEROTOPIA, PERIVENTRICULAR, 1. Identifiers: Orphanet 2149, Orphanet 82004, MedGen C1848213, MONDO:0010233, OMIM 300049.
Melnick-Needles syndrome (MNS). Also called: Melnick-Needles Syndrome (FLNA-MNS); MELNICK-NEEDLES OSTEODYSPLASTY; OSTEODYSPLASTY OF MELNICK AND NEEDLES. Identifiers: Orphanet 2484, MedGen C0025237, MONDO:0010650, OMIM 309350.
Frontometaphyseal dysplasia (FMD1). Identifiers: Orphanet 1826, MedGen C0265293, MONDO:0015942.

Submission:

Labcorp Genetics (formerly Invitae), Labcorp
Classification: Uncertain significance for Oto-palato-digital syndrome, type II; Heterotopia, periventricular, X-linked dominant; Frontometaphyseal dysplasia; Melnick-Needles syndrome. Last evaluated: 2023-12-25. Review status: criteria provided, single submitter. Criteria: Invitae Variant Classification Sherloc (09022015). Collection method: clinical testing. Allele origin: germline.
Comment: This sequence change replaces tyrosine, which is neutral and polar, with aspartic acid, which is acidic and polar, at codon 643 of the FLNA protein (p.Tyr643Asp). This variant is not present in population databases (gnomAD no frequency). This variant has not been reported in the literature in individuals affected with FLNA-related conditions. Advanced modeling of protein sequence and biophysical properties (such as structural, functional, and spatial information, amino acid conservation, physicochemical variation, residue mobility, and thermodynamic stability) has been performed at Invitae for this missense variant, however the output from this modeling did not meet the statistical confidence thresholds required to predict the impact of this variant on FLNA protein function. In summary, the available evidence is currently insufficient to determine the role of this variant in disease. Therefore, it has been classified as a Variant of Uncertain Significance.

NM_001110556.2(FLNA):c.1927T>G (p.Tyr643Asp)

Gene: FLNA (filamin A; minus strand). Cytogenetic location: Xq28.
Variant type: single nucleotide variant.
Coding change: c.1927T>G on transcript NM_001110556.2 (MANE Select); coding-DNA position 1927, T replaced by G.
Protein change: p.Tyr643Asp; replaces tyrosine 643 with aspartic acid.
Molecular consequence: missense variant.
Genome position (GRCh38, 1-based): chrX:154,364,621, A>C on the plus strand (T>G on the coding strand, the complement: FLNA is on the minus strand). VCF-style: chrX-154364621-A-C. GRCh37 (hg19) VCF-style: chrX-153592989-A-C.
Other names: c.1927T>G, p.Tyr643Asp (NM_001456.4); short protein forms Y643D.
Identifiers: ClinVar variation 2921322 (VCV002921322.3), dbSNP rs2522754774, ClinGen allele CA415241590.